The following is an entry in ClinVar:

NM_000382.3(ALDH3A2):c.471+1G>C

Gene: ALDH3A2 (aldehyde dehydrogenase 3 family member A2; plus strand). Cytogenetic location: 17p11.2.
Variant type: single nucleotide variant.
Coding change: c.471+1G>C on transcript NM_000382.3 (MANE Select); the canonical splice donor site of the intron after coding-DNA position 471, G replaced by C.
Molecular consequence: splice donor variant.
Genome position (GRCh38, 1-based): chr17:19,652,633, G>C. VCF-style: chr17-19652633-G-C. GRCh37 (hg19) VCF-style: chr17-19555946-G-C.
Other names: NC_000017.10:g.19555946G>C; c.-218+1G>C (NM_001369148.2); c.471+1G>C (NM_001369137.2, NM_001369138.2, NM_001369146.2 and 3 more transcripts).
Identifiers: ClinVar variation 977702 (VCV000977702.3), dbSNP rs769821628, ClinGen allele CA8442811.

ClinVar aggregate classification (germline): Pathogenic. Review status: criteria provided, multiple submitters, no conflicts (2 of 4 stars). 2 submissions from 2 submitters: Pathogenic (2). Last evaluated 2024-07-15.

Conditions:
Sjögren-Larsson syndrome (SLS). Also called: FALDH DEFICIENCY; FATTY ALCOHOL:NAD+ OXIDOREDUCTASE DEFICIENCY; FATTY ALDEHYDE DEHYDROGENASE DEFICIENCY; ICHTHYOSIS, SPASTIC NEUROLOGIC DISORDER, AND OLIGOPHRENIA. Identifiers: Orphanet 816, MedGen C0037231, MONDO:0010031, OMIM 270200.

Allele frequency attached by ClinVar (database versions not stated): ExAC 0.00001.

Submissions (3):

Natera, Inc.
Classification: Pathogenic for Sjögren-Larsson syndrome. Last evaluated: 2024-07-15. Review status: criteria provided, single submitter. Criteria: Natera Variant Classification Schema (03/2026). Collection method: clinical testing. Allele origin: germline.
Comment: The c.471+1G>C variant in ALDH3A2 is a canonical splice donor site variant predicted to affect pre-mRNA splicing, which may result in an abnormal transcript and altered protein product. This variant is expected to result in nonsense mediated decay, truncation, or a dysfunctional protein product. This variant is rare in the general population with a frequency below the threshold expected for the associated phenotype(s). This variant has been observed in one or more individuals affected with the associated recessive disease, as either homozygous or compound heterozygous with a second variant (PMID: 10854114). Another variant at this same site results in an alteration predicted to cause a similar molecular effect has been observed in individual(s) with the associated phenotype. Given the available evidence, this variant is classified as Pathogenic.

Women's Health and Genetics/Laboratory Corporation of America, LabCorp
Classification: Pathogenic for SjÃ¶gren-Larsson syndrome. Last evaluated: 2020-08-27. Review status: criteria provided, single submitter. Criteria: LabCorp Variant Classification Summary - May 2015. Collection method: clinical testing. Allele origin: germline.
Comment: Variant summary: ALDH3A2 c.471+1G>C is located in a canonical splice-site and is predicted to affect mRNA splicing resulting in a significantly altered protein due to either exon skipping, shortening, or inclusion of intronic material. Several computational tools predict a significant impact on normal splicing: four predict the variant abolishes a 5' splicing donor site. These predictions have been confirmed by functional study that demonstrated an in-frame deletion of exon 2 and 3 in a patient derived mRNA sample (Kraus_2000). The variant allele was found at a frequency of 4e-06 in 251416 control chromosomes (gnomAD). The variant, c.471+1G>C, has been reported in the literature in a compound heterozygous individual affected with Sjogren-Larsson Syndrome (Kraus_2000). This publication also evaluated the impact of the variant at the protein level, and demonstrated a significantly shortened protein product in a protein truncation test (Kraus_2000). No clinical diagnostic laboratories have submitted clinical-significance assessments for this variant to ClinVar after 2014. Based on the evidence outlined above, the variant was classified as pathogenic.

Dr. Peter K. Rogan Lab, Western University
No classification provided (evidence only). Condition: Familial cancer of breast. Review status: no classification provided. Collection method: in vitro. Allele origin: not applicable. Functional consequence: skipped exon, retained intron. Not counted in ClinVar's aggregate classification.

Literature cited by the submitters: PubMed 10854114 (cited by Natera, Inc. and Women's Health and Genetics/Laboratory Corporation of America, LabCorp).